The following is an entry in ClinVar:

ClinVar aggregate classification (germline): Likely benign (0 of 4 stars; one submission).

Conditions:
ADCY3-related disorder. Also called: ADCY3-related condition.

Allele frequency attached by ClinVar (database versions not stated): TOPMed 0.00001.
gnomAD v4.1: 1 of 1,613,964 alleles (0.000062%); highest among the groups gnomAD compares: African/African-American, 0.0013%; no homozygotes.

Submission:

PreventionGenetics, part of Exact Sciences
Classification: Likely benign for ADCY3-related condition. Last evaluated: 2021-11-17. Review status: no assertion criteria provided. Collection method: clinical testing. Allele origin: germline.
Comment: This variant is classified as likely benign based on ACMG/AMP sequence variant interpretation guidelines (Richards et al. 2015 PMID: 25741868, with internal and published modifications).

NM_004036.5(ADCY3):c.3204C>T (p.Val1068=)

Genes: ADCY3 (adenylate cyclase 3; minus strand), CENPO (centromere protein O; plus strand). Cytogenetic location: 2p23.3.
Variant type: single nucleotide variant.
Coding change: c.3204C>T on transcript NM_004036.5 (MANE Select); coding-DNA position 3204, C replaced by T.
Protein change: p.Val1068=; no amino-acid change (valine 1068 retained).
Molecular consequence: synonymous variant. On other transcripts: 3 prime UTR variant (3), non-coding transcript variant (3).
Genome position (GRCh38, 1-based): chr2:24,820,772, G>A on the plus strand (C>T on the coding strand, the complement: ADCY3 is on the minus strand). VCF-style: chr2-24820772-G-A. GRCh37 (hg19) VCF-style: chr2-25043641-G-A.
Other names: c.3207C>T, p.Val1069= (NM_001320613.2); c.3270C>T, p.Val1090= (NM_001377128.1); c.3066C>T, p.Val1022= (NM_001377129.1); c.2652C>T, p.Val884= (NM_001377130.1); c.2481C>T, p.Val827= (NM_001377131.1); c.3204C>T, p.Val1068= (NM_001377132.1); c.*1454G>A (NM_001199803.3, NM_001322101.2, NM_024322.4).
Identifiers: ClinVar variation 3061463 (VCV003061463.2), dbSNP rs1427403684, ClinGen allele CA425171639.